The following is an entry in ClinVar:

ClinVar aggregate classification (germline): Likely benign. Review status: criteria provided, single submitter (1 of 4 stars). 2 submissions from 2 submitters: Likely benign (1). 1 of the submissions does not count toward it. Last evaluated 2023-05-01.

Conditions:
DDHD1-related disorder. Also called: DDHD1-related condition.

Allele frequency attached by ClinVar (database versions not stated): ExAC 0.00023; gnomAD 0.00028; TOPMed 0.00028; ESP Exome Variant Server 0.00029; gnomAD exomes 0.00044.
gnomAD v4.1: 695 of 1,597,540 alleles (0.044%); highest among the groups gnomAD compares: Non-Finnish European, 0.053%; no homozygotes.

Submissions (2):

CeGaT Center for Human Genetics Tuebingen
Classification: Likely benign. Last evaluated: 2023-05-01. Review status: criteria provided, single submitter. Criteria: CeGaT Center For Human Genetics Tuebingen Variant Classification Criteria Version 2. Collection method: clinical testing. Allele origin: germline. Affected: yes. Observed: 2 variant alleles.
Comment: DDHD1: BP4

PreventionGenetics, part of Exact Sciences
Classification: Likely benign for DDHD1-related condition. Last evaluated: 2020-01-15. Review status: no assertion criteria provided. Collection method: clinical testing. Allele origin: germline. Not counted in ClinVar's aggregate classification.
Comment: This variant is classified as likely benign based on ACMG/AMP sequence variant interpretation guidelines (Richards et al. 2015 PMID: 25741868, with internal and published modifications).

NM_001160148.2(DDHD1):c.2508A>G (p.Lys836=)

Gene: DDHD1 (DDHD domain containing 1; minus strand). Cytogenetic location: 14q22.1.
Variant type: single nucleotide variant.
Coding change: c.2508A>G on transcript NM_001160148.2 (MANE Select); coding-DNA position 2508, A replaced by G.
Protein change: p.Lys836=; no amino-acid change (lysine 836 retained).
Molecular consequence: synonymous variant. On other transcripts: intron variant (2).
Genome position (GRCh38, 1-based): chr14:53,051,857, T>C on the plus strand (A>G on the coding strand, the complement: DDHD1 is on the minus strand). VCF-style: chr14-53051857-T-C. GRCh37 (hg19) VCF-style: chr14-53518575-T-C.
Other names: c.2437+2581A>G (NM_030637.3); c.2458+2581A>G (NM_001160147.2); c.2508A>G (NM_001160148.1).
Identifiers: ClinVar variation 2644242 (VCV002644242.25), dbSNP rs375235517, ClinGen allele CA7190960.
Genomic context (GRCh38, chr14:53,051,857, plus strand): 5'-GATCATTTTTATAGTATTCTGAATGCTATTCCTGACATATACCATACCGAGGGCATTATC[T>C]TTATTCTGCATTACATTTTCCGGAAAAAGAAGTTGTGGGAGATTAAAGAACGATTCTTGA-3'
Protein context (NP_001153620.1, residues 826-846): LLFPENVMQN[Lys836=]DNALVELDHR